The following is an entry in ClinVar:

NM_000257.4(MYH7):c.1446C>T (p.Asn482=)

Gene: MYH7 (myosin heavy chain 7; minus strand). Cytogenetic location: 14q11.2.
Variant type: single nucleotide variant.
Coding change: c.1446C>T on transcript NM_000257.4 (MANE Select); coding-DNA position 1446, C replaced by T.
Protein change: p.Asn482=; no amino-acid change (asparagine 482 retained).
Molecular consequence: synonymous variant.
Genome position (GRCh38, 1-based): chr14:23,428,632, G>A on the plus strand (C>T on the coding strand, the complement: MYH7 is on the minus strand). VCF-style: chr14-23428632-G-A. GRCh37 (hg19) VCF-style: chr14-23897841-G-A.
Other names: c.1446C>T (LRG_384t1).
Identifiers: ClinVar variation 516350 (VCV000516350.13), dbSNP rs775745470, ClinGen allele CA028526.
Genomic context (GRCh38, chr14:23,428,632, plus strand): 5'-CTTGTACTCCTCCTGCTCCAGCACAAACATGTGGTGGTTGAAGAACTGCTGCAGCTTCTC[G>A]TTGGTGAAGTTGATGCAGAGCTGCTCAAAGCTGTTGAACTGCAGGGGGCATGAGGGGTGG-3'
Protein context (NP_000248.2, residues 472-492): SFEQLCINFT[Asn482=]EKLQQFFNHH

ClinVar aggregate classification (germline): Likely benign. Review status: criteria provided, multiple submitters, no conflicts (2 of 4 stars). 5 submissions from 5 submitters: Likely benign (5). Last evaluated 2026-01-25.

Conditions:
Cardiovascular phenotype. Identifiers: MedGen CN230736.
Cardiomyopathy (CMYO). Also called: Cardiomyopathies. Identifiers: Orphanet 167848, MedGen C0878544, MONDO:0004994, HP:0001638. Inheritance: Various modes of inheritance.
Hypertrophic cardiomyopathy. Also called: HYPERTROPHIC MYOCARDIOPATHY. Identifiers: Orphanet 217569, MedGen C0007194, MeSH D002312, MONDO:0005045, HP:0001639.

Allele frequency attached by ClinVar (database versions not stated): ExAC 0.00001; gnomAD exomes 0.00001 and 0.00002; gnomAD 0.00003; TOPMed 0.00004.
gnomAD v4.1: 18 of 1,614,022 alleles (0.0011%); highest among the groups gnomAD compares: Middle Eastern, 0.016%; no homozygotes.

Submissions (5):

Labcorp Genetics (formerly Invitae), Labcorp
Classification: Likely benign for Hypertrophic cardiomyopathy. Last evaluated: 2026-01-25. Review status: criteria provided, single submitter. Criteria: Invitae Variant Classification Sherloc (09022015). Collection method: clinical testing. Allele origin: germline.

Ambry Genetics
Classification: Likely benign for Cardiovascular phenotype. Last evaluated: 2024-06-16. Review status: criteria provided, single submitter. Criteria: Ambry Variant Classification Scheme 2023. Collection method: clinical testing. Allele origin: germline.

All of Us Research Program, National Institutes of Health
Classification: Likely benign for Cardiomyopathy. Last evaluated: 2023-09-17. Review status: criteria provided, single submitter. Criteria: ACMG Guidelines, 2015. Collection method: clinical testing. Allele origin: germline. Inheritance: Autosomal dominant inheritance. Observed: 3 variant alleles, 3 heterozygotes.
Comment: This study involves interpretation of variants in research participants for the purpose of population health screening. Participant phenotype was not available at the time of variant classification. Additional details can be found in publication PMID: 35346344, PMCID: PMC8962531

Color Diagnostics, LLC DBA Color Health
Classification: Likely benign for Cardiomyopathy. Last evaluated: 2018-11-08. Review status: criteria provided, single submitter. Criteria: ACMG Guidelines, 2015. Collection method: clinical testing. Allele origin: germline.

GeneDx
Classification: Likely benign. Last evaluated: 2017-12-26. Review status: criteria provided, single submitter. Criteria: GeneDx Variant Classification (06012015). Collection method: clinical testing. Allele origin: germline. Affected: yes.
Comment: This variant is considered likely benign or benign based on one or more of the following criteria: it is a conservative change, it occurs at a poorly conserved position in the protein, it is predicted to be benign by multiple in silico algorithms, and/or has population frequency not consistent with disease.